The following is an entry in ClinVar:

NM_182931.3(KMT2E):c.2017A>G (p.Met673Val)

Gene: KMT2E (lysine methyltransferase 2E (inactive); plus strand). Cytogenetic location: 7q22.3.
Variant type: single nucleotide variant.
Coding change: c.2017A>G on transcript NM_182931.3 (MANE Select); coding-DNA position 2017, A replaced by G.
Protein change: p.Met673Val; replaces methionine 673 with valine.
Molecular consequence: missense variant.
Genome position (GRCh38, 1-based): chr7:105,102,015, A>G. VCF-style: chr7-105102015-A-G. GRCh37 (hg19) VCF-style: chr7-104742462-A-G.
Other names: c.2017A>G, p.Met673Val (NM_001410908.1, NM_018682.4); short protein forms M673V.
Identifiers: ClinVar variation 2047510 (VCV002047510.4), dbSNP rs1798676313, ClinGen allele CA368784822.

ClinVar aggregate classification (germline): Uncertain significance (1 of 4 stars; one submission).

Allele frequency attached by ClinVar (database versions not stated): TOPMed below 0.00001; gnomAD exomes 0.00001.
gnomAD v4.1: 9 of 1,613,988 alleles (0.00056%); highest among the groups gnomAD compares: Non-Finnish European, 0.00076%; no homozygotes.

Submission:

Labcorp Genetics (formerly Invitae), Labcorp
Classification: Uncertain significance. Last evaluated: 2023-11-27. Review status: criteria provided, single submitter. Criteria: Invitae Variant Classification Sherloc (09022015). Collection method: clinical testing. Allele origin: germline.
Comment: This sequence change replaces methionine, which is neutral and non-polar, with valine, which is neutral and non-polar, at codon 673 of the KMT2E protein (p.Met673Val). This variant is not present in population databases (gnomAD no frequency). This variant has not been reported in the literature in individuals affected with KMT2E-related conditions. ClinVar contains an entry for this variant (Variation ID: 2047510). Advanced modeling of protein sequence and biophysical properties (such as structural, functional, and spatial information, amino acid conservation, physicochemical variation, residue mobility, and thermodynamic stability) performed at Invitae indicates that this missense variant is not expected to disrupt KMT2E protein function with a negative predictive value of 80%. In summary, the available evidence is currently insufficient to determine the role of this variant in disease. Therefore, it has been classified as a Variant of Uncertain Significance.